The following is an entry in ClinVar:

NM_177438.3(DICER1):c.4417del (p.Ser1473fs)

Gene: DICER1 (dicer 1, ribonuclease III; minus strand). Cytogenetic location: 14q32.13.
Variant type: Deletion.
Coding change: c.4417del on transcript NM_177438.3 (MANE Select); coding-DNA position 4417, one base deleted (T; older notation c.4417delT).
Protein change: p.Ser1473fs; shifts the reading frame from serine 1473.
Molecular consequence: frameshift variant.
Genome position (GRCh38, 1-based): chr14:95,096,503, A deleted on the plus strand (T on the coding strand, the reverse complement: DICER1 is on the minus strand); the first of 5 consecutive A bases (chr14:95,096,503-95,096,507); deleting any one gives the same sequence. VCF-style (leftmost placement, unchanged base first): chr14-95096502-GA-G. GRCh37 (hg19) VCF-style: chr14-95562839-GA-G.
Other names: c.4417del, p.Ser1473fs (NM_001195573.1, NM_001271282.3, NM_001291628.2 and 1 more transcripts); short protein forms S1473fs.
Identifiers: ClinVar variation 1012654 (VCV001012654.39), dbSNP rs1890354731, ClinGen allele CA2156303401.

ClinVar aggregate classification (germline): Pathogenic/Likely pathogenic. Review status: criteria provided, multiple submitters, no conflicts (2 of 4 stars). 2 submissions from 2 submitters: Pathogenic (1); Likely pathogenic (1). Last evaluated 2026-03-17.

Conditions:
DICER1-related tumor predisposition. Also called: DICER1-related pleuropulmonary blastoma cancer predisposition syndrome; DICER1 syndrome. Identifiers: Orphanet 284343, MedGen C3839822, MONDO:0100216.

Submissions (2):

Myriad Genetics, Inc.
Classification: Pathogenic for DICER1-related tumor predisposition. Last evaluated: 2026-03-17. Review status: criteria provided, single submitter. Criteria: Myriad Autosomal Dominant, Autosomal Recessive and X-Linked Classification Criteria (2023). Collection method: clinical testing. Allele origin: unknown.
Comment: This variant is considered pathogenic. This variant creates a frameshift predicted to result in premature protein truncation.

CeGaT Center for Human Genetics Tuebingen
Classification: Likely pathogenic. Last evaluated: 2021-01-01. Review status: criteria provided, single submitter. Criteria: CeGaT Center For Human Genetics Tuebingen Variant Classification Criteria Version 2. Collection method: clinical testing. Allele origin: germline. Affected: yes. Observed: 1 variant allele.